The following is an entry in ClinVar:

NM_006767.4(LZTR1):c.1886del (p.Val629fs)

Gene: LZTR1 (leucine zipper like post translational regulator 1; plus strand). Cytogenetic location: 22q11.21.
Variant type: Deletion.
Coding change: c.1886del on transcript NM_006767.4 (MANE Select); coding-DNA position 1886, one base deleted (T; older notation c.1886delT).
Protein change: p.Val629fs; shifts the reading frame from valine 629.
Molecular consequence: frameshift variant.
Genome position (GRCh38, 1-based): chr22:20,994,970, T deleted. VCF-style (leftmost placement, unchanged base first): chr22-20994969-GT-G. GRCh37 (hg19) VCF-style: chr22-21349258-GT-G.
Other names: short protein forms V629fs.
Identifiers: ClinVar variation 3541584 (VCV003541584.1).
Genomic context (GRCh38, chr22:20,994,969, plus strand): 5'-AACCAGGTGATCATGATGAAGGAGTTCGAGCGCCTCTCCTCTCCACTGATAGTGGAGATT[GT>G]GCGGCGGAAGCAGCAGCCGCCCCCTCGCACTCCCTTGGACCAGCCAGTGGACATTGGTAG-3'

ClinVar aggregate classification (germline): Pathogenic (1 of 4 stars; one submission).

Conditions:
Hereditary cancer-predisposing syndrome. Also called: Hereditary Cancer Syndrome; Hereditary neoplastic syndrome; Tumor predisposition; Neoplastic Syndromes, Hereditary. Identifiers: Orphanet 140162, MedGen C0027672, MeSH D009386, MONDO:0015356.
Cardiovascular phenotype. Identifiers: MedGen CN230736.

Submission:

Ambry Genetics
Classification: Pathogenic for Cardiovascular phenotype; Hereditary cancer-predisposing syndrome. Last evaluated: 2024-07-30. Review status: criteria provided, single submitter. Criteria: Ambry Variant Classification Scheme 2023. Collection method: clinical testing. Allele origin: germline.
Comment: The c.1886delT pathogenic mutation, located in coding exon 16 of the LZTR1 gene, results from a deletion of one nucleotide at nucleotide position 1886, causing a translational frameshift with a predicted alternate stop codon (p.V629Gfs*23). Loss-of-function variants in LZTR1 are related to an increased risk for schwannomas and autosomal recessive Noonan syndrome; however, such associations with autosomal dominant Noonan syndrome have not been observed (Piotrowski A et al. Nat Genet. 2014 Feb;46:182-7; Yamamoto GL et al. J Med Genet. 2015 Jun;52:413-21; Johnston JJ et al. Genet Med. 2018 10;20:1175-1185). Based on the supporting evidence, this variant is pathogenic for an increased risk of LZTR1-related schwannomatosis (SWN) and would be expected to cause autosomal recessive Noonan syndrome when present along with a second pathogenic or likely pathogenic variant on the other allele; however, the association of this alteration with autosomal dominant Noonan syndrome is unlikely.